The following is an entry in ClinVar:

NM_000312.4(PROC):c.759C>A (p.His253Gln)

Gene: PROC (protein C, inactivator of coagulation factors Va and VIIIa; plus strand). Cytogenetic location: 2q14.3.
Variant type: single nucleotide variant.
Coding change: c.759C>A on transcript NM_000312.4 (MANE Select); coding-DNA position 759, C replaced by A.
Protein change: p.His253Gln; replaces histidine 253 with glutamine.
Molecular consequence: missense variant.
Genome position (GRCh38, 1-based): chr2:127,427,185, C>A. VCF-style: chr2-127427185-C-A. GRCh37 (hg19) VCF-style: chr2-128184761-C-A.
Other names: c.942C>A, p.His314Gln (NM_001375602.1); c.924C>A, p.His308Gln (NM_001375603.1); c.822C>A, p.His274Gln (NM_001375604.1); c.861C>A, p.His287Gln (NM_001375605.1); c.927C>A, p.His309Gln (NM_001375606.1); c.945C>A, p.His315Gln (NM_001375607.1); c.702C>A, p.His234Gln (NM_001375608.1); c.735C>A, p.His245Gln (NM_001375609.1); and 2 more; short protein forms H234Q, H245Q, H251Q, H253Q, H274Q, H287Q, H308Q, H309Q.
Identifiers: ClinVar variation 1684347 (VCV001684347.1), dbSNP rs1458669732, ClinGen allele CA348402392.

ClinVar aggregate classification (germline): Likely pathogenic (0 of 4 stars; one submission).

Conditions:
Reduced protein C activity. Identifiers: MedGen C0398625, MeSH D020151, HP:0005543.

Allele frequency attached by ClinVar (database versions not stated): gnomAD exomes below 0.00001 and 0.00001; TOPMed below 0.00001; gnomAD 0.00001.
gnomAD v4.1: 4 of 1,613,524 alleles (0.00025%); highest among the groups gnomAD compares: Non-Finnish European, 0.00034%; no homozygotes.

Submission:

ISTH-SSC Genomics in Thrombosis and Hemostasis, KU Leuven, Center for Molecular and Vascular Biology
Classification: Likely pathogenic for Reduced protein C activity. Review status: no assertion criteria provided. Collection method: research. Allele origin: unknown. Affected: yes.
Comment: Submitted to GoldVariant by Dr Karyn Mégy from NIHR Bioresource - Cambridge University, UK